The following is an entry in ClinVar:

NM_001009999.3(KDM1A):c.351+6G>C

Gene: KDM1A (lysine demethylase 1A; plus strand). Cytogenetic location: 1p36.12.
Variant type: single nucleotide variant.
Coding change: c.351+6G>C on transcript NM_001009999.3 (MANE Select); 6 bases into the intron after coding-DNA position 351, G replaced by C.
Molecular consequence: intron variant.
Genome position (GRCh38, 1-based): chr1:23,019,953, G>C. VCF-style: chr1-23019953-G-C. GRCh37 (hg19) VCF-style: chr1-23346446-G-C.
Other names: c.351+6G>C (NM_001410762.1, NM_001363654.2, NM_001410763.1 and 1 more transcripts).
Identifiers: ClinVar variation 4764577 (VCV004764577.1).
Genomic context (GRCh38, chr1:23,019,953, plus strand): 5'-TGGAATAGCAGAGACTCCGGAGGGGCGTCGGACCAGCCGGCGCAAGCGGGCGAAGGTAAG[G>C]CTCGACCCTTCCCTCAAACGACACCGCCTGGTGCCGAGCTTCCCCGAGGCTTCTCCGCCC-3'

ClinVar aggregate classification (germline): Uncertain significance (1 of 4 stars; one submission).

gnomAD v4.1: 6 of 1,539,456 alleles (0.00039%); highest among the groups gnomAD compares: Non-Finnish European, 0.00044%; no homozygotes.

Submission:

Labcorp Genetics (formerly Invitae), Labcorp
Classification: Uncertain significance. Last evaluated: 2025-07-29. Review status: criteria provided, single submitter. Criteria: Invitae Variant Classification Sherloc (09022015). Collection method: clinical testing. Allele origin: germline.
Comment: This sequence change falls in intron 1 of the KDM1A gene. It does not directly change the encoded amino acid sequence of the KDM1A protein. It affects a nucleotide within the consensus splice site. This variant is present in population databases (no rsID available, gnomAD 0.003%). This variant has not been reported in the literature in individuals affected with KDM1A-related conditions. Variants that disrupt the consensus splice site are a relatively common cause of aberrant splicing (PMID: 17576681, 9536098). Algorithms developed to predict the effect of sequence changes on RNA splicing suggest that this variant is not likely to affect RNA splicing. In summary, the available evidence is currently insufficient to determine the role of this variant in disease. Therefore, it has been classified as a Variant of Uncertain Significance.

Literature cited by the submitters: PubMed 17576681; PubMed 9536098.